The following is an entry in ClinVar:

NM_002294.3(LAMP2):c.*4671C>T

Gene: LAMP2 (lysosome associated membrane protein 2; minus strand). Cytogenetic location: Xq24.
Variant type: single nucleotide variant.
Coding change: c.*4671C>T on transcript NM_002294.3 (MANE Select); 4671 bases downstream of the stop codon, C replaced by T.
Molecular consequence: 3 prime UTR variant.
Genome position (GRCh38, 1-based): chrX:120,426,652, G>A on the plus strand (C>T on the coding strand, the complement: LAMP2 is on the minus strand). VCF-style: chrX-120426652-G-A. GRCh37 (hg19) VCF-style: chrX-119560507-G-A.
Other names: c.*1832C>T (NM_001122606.1).
Identifiers: ClinVar variation 367742 (VCV000367742.6), dbSNP rs1045953, ClinGen allele CA10653739.

ClinVar aggregate classification (germline): Benign (1 of 4 stars; one submission).

Conditions:
Danon disease. Also called: ANTOPOL DISEASE; PSEUDOGLYCOGENOSIS II; GSD IIb; LYSOSOMAL GLYCOGEN STORAGE DISEASE WITHOUT ACID MALTASE DEFICIENCY; Glycogen Storage Disease Type IIb. Identifiers: Orphanet 34587, MedGen C0878677, MONDO:0010281, OMIM 300257.

Allele frequency attached by ClinVar (database versions not stated): gnomAD 0.09176 and 0.09801; 1000 Genomes Project 0.10040; 1000 Genomes Project 30x 0.10343; TOPMed 0.10587.
gnomAD v4.1: 10,127 of 111,271 alleles (9.1%); highest among the groups gnomAD compares: African/African-American, 31%; 1,115 homozygotes.

Submission:

Illumina Laboratory Services, Illumina
Classification: Benign for Danon disease. Last evaluated: 2018-01-13. Review status: criteria provided, single submitter. Criteria: ICSL Variant Classification Criteria 13 December 2019. Collection method: clinical testing. Allele origin: germline.
Comment: This variant was observed in the ICSL laboratory as part of a predisposition screen in an ostensibly healthy population. It had not been previously curated by ICSL or reported in the Human Gene Mutation Database (HGMD: prior to June 1st, 2018), and was therefore a candidate for classification through an automated scoring system. Utilizing variant allele frequency, disease prevalence and penetrance estimates, and inheritance mode, an automated score was calculated to assess if this variant is too frequent to cause the disease. Based on the score and internal cut-off values, a variant classified as benign is not then subjected to further curation. The score for this variant resulted in a classification of benign for this disease.